The following is an entry in ClinVar:

NM_207122.2(EXT2):c.1349C>T (p.Pro450Leu)

Genes: EXT2 (exostosin glycosyltransferase 2; plus strand), LOC126861201 (MED14-independent group 3 enhancer GRCh37_chr11:44218806-44220005; plus strand). Cytogenetic location: 11p11.2.
Variant type: single nucleotide variant.
Coding change: c.1349C>T on transcript NM_207122.2 (MANE Select); coding-DNA position 1349, C replaced by T.
Protein change: p.Pro450Leu; replaces proline 450 with leucine.
Molecular consequence: missense variant.
Genome position (GRCh38, 1-based): chr11:44,197,872, C>T. VCF-style: chr11-44197872-C-T. GRCh37 (hg19) VCF-style: chr11-44219422-C-T.
Other names: c.1448C>T, p.Pro483Leu (NM_000401.3); c.1379C>T, p.Pro460Leu (NM_001178083.3); c.1349C>T, p.Pro450Leu (NM_001389628.1, NM_001389630.1); short protein forms P460L, P483L, P450L.
Identifiers: ClinVar variation 4709572 (VCV004709572.1).

ClinVar aggregate classification (germline): Uncertain significance (1 of 4 stars; one submission).

Conditions:
Exostoses, multiple, type 2 (EXT2). Also called: Hereditary Multiple Osteochondromatosis, Type II; EXOSTOSES, MULTIPLE, TYPE II. Identifiers: Orphanet 321, MedGen C1851413, MONDO:0007586, OMIM 133701.

Submission:

Labcorp Genetics (formerly Invitae), Labcorp
Classification: Uncertain significance for Exostoses, multiple, type 2. Last evaluated: 2025-04-14. Review status: criteria provided, single submitter. Criteria: Invitae Variant Classification Sherloc (09022015). Collection method: clinical testing. Allele origin: germline.
Comment: This sequence change replaces proline, which is neutral and non-polar, with leucine, which is neutral and non-polar, at codon 450 of the EXT2 protein (p.Pro450Leu). This variant is not present in population databases (gnomAD no frequency). This variant has not been reported in the literature in individuals affected with EXT2-related conditions. Invitae Evidence Modeling of protein sequence and biophysical properties (such as structural, functional, and spatial information, amino acid conservation, physicochemical variation, residue mobility, and thermodynamic stability) has been performed for this missense variant. However, the output from this modeling did not meet the statistical confidence thresholds required to predict the impact of this variant on EXT2 protein function. In summary, the available evidence is currently insufficient to determine the role of this variant in disease. Therefore, it has been classified as a Variant of Uncertain Significance.